The following is an entry in ClinVar:

NM_000321.3(RB1):c.1719T>A (p.Ile573=)

Gene: RB1 (RB transcriptional corepressor 1; plus strand). Cytogenetic location: 13q14.2.
Variant type: single nucleotide variant.
Coding change: c.1719T>A on transcript NM_000321.3 (MANE Select); coding-DNA position 1719, T replaced by A.
Protein change: p.Ile573=; no amino-acid change (isoleucine 573 retained).
Molecular consequence: synonymous variant.
Genome position (GRCh38, 1-based): chr13:48,453,016, T>A. VCF-style: chr13-48453016-T-A. GRCh37 (hg19) VCF-style: chr13-49027152-T-A.
Identifiers: ClinVar variation 744491 (VCV000744491.13), dbSNP rs1593529908, ClinGen allele CA483558145.

ClinVar aggregate classification (germline): Likely benign. Review status: criteria provided, multiple submitters, no conflicts (2 of 4 stars). 4 submissions from 4 submitters: Likely benign (4). Last evaluated 2025-04-24.

Conditions:
Hereditary cancer-predisposing syndrome. Also called: Neoplastic Syndromes, Hereditary; Hereditary Cancer Syndrome; Tumor predisposition; Hereditary neoplastic syndrome. Identifiers: Orphanet 140162, MedGen C0027672, MeSH D009386, MONDO:0015356.
Retinoblastoma (RB1). Also called: RETINOBLASTOMA, SOMATIC. Identifiers: Orphanet 790, MedGen C0035335, MeSH D012175, MONDO:0008380, OMIM 180200, HP:0009919. Disease mechanism: loss of function. Inheritance: Both sporadic and heritable forms are tested..

Submissions (4):

Ambry Genetics
Classification: Likely benign for Hereditary cancer-predisposing syndrome. Last evaluated: 2025-04-24. Review status: criteria provided, single submitter. Criteria: Ambry Variant Classification Scheme 2023. Collection method: clinical testing. Allele origin: germline.

Labcorp Genetics (formerly Invitae), Labcorp
Classification: Likely benign for Retinoblastoma. Last evaluated: 2025-02-07. Review status: criteria provided, single submitter. Criteria: Invitae Variant Classification Sherloc (09022015). Collection method: clinical testing. Allele origin: germline.

All of Us Research Program, National Institutes of Health
Classification: Likely benign for Retinoblastoma. Last evaluated: 2023-06-28. Review status: criteria provided, single submitter. Criteria: ACMG Guidelines, 2015. Collection method: clinical testing. Allele origin: germline. Inheritance: Autosomal dominant inheritance. Observed: 2 variant alleles, 2 heterozygotes.
Comment: This study involves interpretation of variants in research participants for the purpose of population health screening. Participant phenotype was not available at the time of variant classification. Additional details can be found in publication PMID: 35346344, PMCID: PMC8962531

Color Diagnostics, LLC DBA Color Health
Classification: Likely benign for Retinoblastoma. Last evaluated: 2022-04-29. Review status: criteria provided, single submitter. Criteria: ACMG Guidelines, 2015. Collection method: clinical testing. Allele origin: germline.